The following is an entry in ClinVar:

ClinVar aggregate classification (germline): Uncertain significance (1 of 4 stars; one submission).

Conditions:
Epileptic encephalopathy. Identifiers: MedGen C0543888, HP:0200134.

Submission:

Labcorp Genetics (formerly Invitae), Labcorp
Classification: Uncertain significance for Epileptic encephalopathy. Last evaluated: 2020-12-10. Review status: criteria provided, single submitter. Criteria: Invitae Variant Classification Sherloc (09022015). Collection method: clinical testing. Allele origin: germline.
Comment: This sequence change falls in intron 27 of the RYR3 gene. It does not directly change the encoded amino acid sequence of the RYR3 protein. It affects a nucleotide within the consensus splice site of the intron. This variant is not present in population databases (ExAC no frequency). This variant has not been reported in the literature in individuals with RYR3-related conditions. Nucleotide substitutions within the consensus splice site are a relatively common cause of aberrant splicing (PMID: 17576681, 9536098). Algorithms developed to predict the effect of sequence changes on RNA splicing suggest that this variant is not likely to affect RNA splicing, but this prediction has not been confirmed by published transcriptional studies. In summary, the available evidence is currently insufficient to determine the role of this variant in disease. Therefore, it has been classified as a Variant of Uncertain Significance.

Literature cited by the submitters: PubMed 17576681; PubMed 9536098.

NM_001036.6(RYR3):c.3556+5A>C

Gene: RYR3 (ryanodine receptor 3; plus strand). Cytogenetic location: 15q14.
Variant type: single nucleotide variant.
Coding change: c.3556+5A>C on transcript NM_001036.6 (MANE Select); 5 bases into the intron after coding-DNA position 3556, A replaced by C.
Molecular consequence: intron variant.
Genome position (GRCh38, 1-based): chr15:33,636,555, A>C. VCF-style: chr15-33636555-A-C. GRCh37 (hg19) VCF-style: chr15-33928756-A-C.
Other names: c.3556+5A>C (NM_001243996.4).
Identifiers: ClinVar variation 1477373 (VCV001477373.1), dbSNP rs775206941, ClinGen allele CA2573150621.